The following is an entry in ClinVar:

NM_001283009.2(RTEL1):c.2170C>G (p.Leu724Val)

Genes: RTEL1 (regulator of telomere elongation helicase 1; plus strand), RTEL1-TNFRSF6B (RTEL1-TNFRSF6B readthrough (NMD candidate); plus strand). Cytogenetic location: 20q13.33.
Variant type: single nucleotide variant.
Coding change: c.2170C>G on transcript NM_001283009.2 (MANE Select); coding-DNA position 2170, C replaced by G.
Protein change: p.Leu724Val; replaces leucine 724 with valine.
Molecular consequence: missense variant. On other transcripts: non-coding transcript variant (1).
Genome position (GRCh38, 1-based): chr20:63,690,115, C>G. VCF-style: chr20-63690115-C-G. GRCh37 (hg19) VCF-style: chr20-62321468-C-G.
Other names: c.1501C>G, p.Leu501Val (NM_001283010.1); c.2170C>G, p.Leu724Val (NM_016434.4); c.2242C>G, p.Leu748Val (NM_032957.5); short protein forms L501V, L724V, L748V.
Identifiers: ClinVar variation 5019974 (VCV005019974.2).

ClinVar aggregate classification (germline): Uncertain significance (1 of 4 stars; one submission).

Conditions:
Dyskeratosis congenita, autosomal recessive 5 (DKCB5). Identifiers: MedGen C3554656, MONDO:0014076, OMIM 615190.
Pulmonary fibrosis and/or bone marrow failure, Telomere-related, 3. Also called: PULMONARY FIBROSIS AND/OR BONE MARROW FAILURE SYNDROME, TELOMERE-RELATED, 3. Identifiers: Orphanet 2032, MedGen C4225346, MONDO:0014613, OMIM 616373.

gnomAD v4.1: 2 of 1,612,262 alleles (0.00012%); highest among the groups gnomAD compares: Admixed American, 0.0017%; no homozygotes.

Submission:

Juno Genomics, Hangzhou Juno Genomics, Inc
Classification: Uncertain significance for Pulmonary fibrosis and/or bone marrow failure, Telomere-related, 3; Dyskeratosis congenita, autosomal recessive 5. Review status: criteria provided, single submitter. Criteria: ACMG Guidelines, 2015. Collection method: clinical testing. Allele origin: germline.
Comment: Absent from controls (or at extremely low frequency if recessive) in Genome Aggregation Database.;Multiple lines of computational evidence support a deleterious effect on the gene or gene product.